The following is an entry in ClinVar:

NM_000256.3(MYBPC3):c.94G>C (p.Glu32Gln)

Gene: MYBPC3 (myosin binding protein C3; minus strand). Cytogenetic location: 11p11.2.
Variant type: single nucleotide variant.
Coding change: c.94G>C on transcript NM_000256.3 (MANE Select); coding-DNA position 94, G replaced by C.
Protein change: p.Glu32Gln; replaces glutamic acid 32 with glutamine.
Molecular consequence: missense variant.
Genome position (GRCh38, 1-based): chr11:47,351,437, C>G on the plus strand (G>C on the coding strand, the complement: MYBPC3 is on the minus strand). VCF-style: chr11-47351437-C-G. GRCh37 (hg19) VCF-style: chr11-47372988-C-G.
Other names: short protein forms E32Q.
Identifiers: ClinVar variation 1961124 (VCV001961124.8), dbSNP rs730880575, ClinGen allele CA057616.

ClinVar aggregate classification (germline): Uncertain significance. Review status: criteria provided, multiple submitters, no conflicts (2 of 4 stars). 4 submissions from 4 submitters: Uncertain significance (4). Last evaluated 2026-01-15.

Conditions:
Hypertrophic cardiomyopathy. Also called: HYPERTROPHIC MYOCARDIOPATHY. Identifiers: Orphanet 217569, MedGen C0007194, MeSH D002312, MONDO:0005045, HP:0001639.
Cardiovascular phenotype. Identifiers: MedGen CN230736.

gnomAD v4.1: 2 of 1,609,010 alleles (0.00012%); highest among the groups gnomAD compares: Non-Finnish European, 0.00017%; no homozygotes.

Submissions (4):

Labcorp Genetics (formerly Invitae), Labcorp
Classification: Uncertain significance for Hypertrophic cardiomyopathy. Last evaluated: 2026-01-15. Review status: criteria provided, single submitter. Criteria: Invitae Variant Classification Sherloc (09022015). Collection method: clinical testing. Allele origin: germline.
Comment: This sequence change replaces glutamic acid, which is acidic and polar, with glutamine, which is neutral and polar, at codon 32 of the MYBPC3 protein (p.Glu32Gln). This variant is present in population databases (rs730880575, gnomAD 0.0009%). This variant has not been reported in the literature in individuals affected with MYBPC3-related conditions. ClinVar contains an entry for this variant (Variation ID: 1961124). An algorithm developed to predict the effect of missense changes on protein structure and function (PolyPhen-2) suggests that this variant is likely to be tolerated. In summary, the available evidence is currently insufficient to determine the role of this variant in disease. Therefore, it has been classified as a Variant of Uncertain Significance.

Ambry Genetics
Classification: Uncertain significance for Cardiovascular phenotype. Last evaluated: 2024-11-20. Review status: criteria provided, single submitter. Criteria: Ambry Variant Classification Scheme 2023. Collection method: clinical testing. Allele origin: germline.
Comment: The p.E32Q variant (also known as c.94G>C), located in coding exon 2 of the MYBPC3 gene, results from a G to C substitution at nucleotide position 94. The glutamic acid at codon 32 is replaced by glutamine, an amino acid with highly similar properties. This amino acid position is highly conserved in available vertebrate species. In addition, the in silico prediction for this alteration is inconclusive. Based on the available evidence, the clinical significance of this variant remains unclear.

All of Us Research Program, National Institutes of Health
Classification: Uncertain significance for Hypertrophic cardiomyopathy. Last evaluated: 2024-08-06. Review status: criteria provided, single submitter. Criteria: ACMG Guidelines, 2015. Collection method: clinical testing. Allele origin: germline. Inheritance: Autosomal dominant inheritance. Observed: 1 variant allele, 1 heterozygote.
Comment: This study involves interpretation of variants in research participants for the purpose of population health screening. Participant phenotype was not available at the time of variant classification. Additional details can be found in publication PMID: 35346344, PMCID: PMC8962531

Blueprint Genetics
Classification: Uncertain significance. Last evaluated: 2023-08-17. Review status: criteria provided, single submitter. Criteria: ACMG Guidelines, 2015. Collection method: clinical testing. Allele origin: germline.